The following is an entry in ClinVar:

NM_013432.5(TONSL):c.3157G>T (p.Ala1053Ser)

Gene: TONSL (tonsoku like, DNA repair protein; minus strand). Cytogenetic location: 8q24.3.
Variant type: single nucleotide variant.
Coding change: c.3157G>T on transcript NM_013432.5 (MANE Select); coding-DNA position 3157, G replaced by T.
Protein change: p.Ala1053Ser; replaces alanine 1053 with serine.
Molecular consequence: missense variant.
Genome position (GRCh38, 1-based): chr8:144,434,208, C>A on the plus strand (G>T on the coding strand, the complement: TONSL is on the minus strand). VCF-style: chr8-144434208-C-A. GRCh37 (hg19) VCF-style: chr8-145659591-C-A.
Other names: c.3157G>T (NM_013432.4); short protein forms A1053S.
Identifiers: ClinVar variation 1397704 (VCV001397704.6), dbSNP rs150987844, ClinGen allele CA4942580.
Genomic context (GRCh38, chr8:144,434,208, plus strand): 5'-GGAGTGCTGTGTGCAGCTTGAGGGCCCGCAGCAGGGGTGTAAGCTGGGCCTGGTCCAGGG[C>A]CAGGGAGCAGGCGCTGAACGAGAGGCCCAAGCCCTGGAGCTCCACGGCCTGCAGCACCTG-3'
Protein context (NP_038460.4, residues 1043-1063): LGLSFSACSL[Ala1053Ser]LDQAQLTPLL

ClinVar aggregate classification (germline): Uncertain significance. Review status: criteria provided, multiple submitters, no conflicts (2 of 4 stars). 3 submissions from 3 submitters: Uncertain significance (3). Last evaluated 2023-11-04.

Conditions:
Inborn genetic diseases. Identifiers: MedGen C0950123, MeSH D030342.

Allele frequency attached by ClinVar (database versions not stated): gnomAD 0.00006; gnomAD exomes 0.00006 and 0.00013; ExAC 0.00007; ESP Exome Variant Server 0.00008; TOPMed 0.00008.
gnomAD v4.1: 193 of 1,576,446 alleles (0.012%); highest among the groups gnomAD compares: Non-Finnish European, 0.016%; no homozygotes.

Submissions (3):

Ambry Genetics
Classification: Uncertain significance for Inborn genetic diseases. Last evaluated: 2023-11-04. Review status: criteria provided, single submitter. Criteria: Ambry Variant Classification Scheme 2023. Collection method: clinical testing. Allele origin: germline.

GeneDx
Classification: Uncertain significance. Last evaluated: 2023-02-15. Review status: criteria provided, single submitter. Criteria: GeneDx Variant Classification Process June 2021. Collection method: clinical testing. Allele origin: germline. Affected: yes.
Comment: In silico analysis supports that this missense variant does not alter protein structure/function; Has not been previously published as pathogenic or benign to our knowledge

Labcorp Genetics (formerly Invitae), Labcorp
Classification: Uncertain significance. Last evaluated: 2022-02-25. Review status: criteria provided, single submitter. Criteria: Invitae Variant Classification Sherloc (09022015). Collection method: clinical testing. Allele origin: germline.
Comment: This sequence change replaces alanine, which is neutral and non-polar, with serine, which is neutral and polar, at codon 1053 of the TONSL protein (p.Ala1053Ser). This variant is present in population databases (rs150987844, gnomAD 0.01%). This variant has not been reported in the literature in individuals affected with TONSL-related conditions. Algorithms developed to predict the effect of missense changes on protein structure and function (SIFT, PolyPhen-2, Align-GVGD) all suggest that this variant is likely to be tolerated. In summary, the available evidence is currently insufficient to determine the role of this variant in disease. Therefore, it has been classified as a Variant of Uncertain Significance.